The following is an entry in ClinVar:

NM_022835.3(PLEKHG2):c.3527C>T (p.Ala1176Val)

Gene: PLEKHG2 (pleckstrin homology and RhoGEF domain containing G2; plus strand). Cytogenetic location: 19q13.2.
Variant type: single nucleotide variant.
Coding change: c.3527C>T on transcript NM_022835.3 (MANE Select); coding-DNA position 3527, C replaced by T.
Protein change: p.Ala1176Val; replaces alanine 1176 with valine.
Molecular consequence: missense variant. On other transcripts: intron variant (1).
Genome position (GRCh38, 1-based): chr19:39,424,660, C>T. VCF-style: chr19-39424660-C-T. GRCh37 (hg19) VCF-style: chr19-39915300-C-T.
Other names: c.3350C>T, p.Ala1117Val (NM_001351693.2); c.1678-578C>T (NM_001351694.2); short protein forms A1117V, A1176V.
Identifiers: ClinVar variation 4800307 (VCV004800307.1).

ClinVar aggregate classification (germline): Uncertain significance (1 of 4 stars; one submission).

gnomAD v4.1: 16 of 1,614,044 alleles (0.00099%); highest among the groups gnomAD compares: African/African-American, 0.004%; no homozygotes.

Submission:

Labcorp Genetics (formerly Invitae), Labcorp
Classification: Uncertain significance. Last evaluated: 2026-01-12. Review status: criteria provided, single submitter. Criteria: Invitae Variant Classification Sherloc (09022015). Collection method: clinical testing. Allele origin: germline.
Comment: This sequence change replaces alanine, which is neutral and non-polar, with valine, which is neutral and non-polar, at codon 1176 of the PLEKHG2 protein (p.Ala1176Val). This variant is present in population databases (rs747488339, gnomAD 0.004%). This variant has not been reported in the literature in individuals affected with PLEKHG2-related conditions. An algorithm developed to predict the effect of missense changes on protein structure and function outputs the following: PolyPhen-2: "Benign". The valine amino acid residue is found in multiple mammalian species, which suggests that this missense change does not adversely affect protein function. In summary, the available evidence is currently insufficient to determine the role of this variant in disease. Therefore, it has been classified as a Variant of Uncertain Significance.